The following is an entry in ClinVar:

NM_000245.4(MET):c.1682G>C (p.Cys561Ser)

Gene: MET (MET proto-oncogene, receptor tyrosine kinase; plus strand). Cytogenetic location: 7q31.2.
Variant type: single nucleotide variant.
Coding change: c.1682G>C on transcript NM_000245.4 (MANE Select); coding-DNA position 1682, G replaced by C.
Protein change: p.Cys561Ser; replaces cysteine 561 with serine.
Molecular consequence: missense variant.
Genome position (GRCh38, 1-based): chr7:116,741,006, G>C. VCF-style: chr7-116741006-G-C. GRCh37 (hg19) VCF-style: chr7-116381060-G-C.
Other names: c.1682G>C, p.Cys561Ser (NM_001127500.3, NM_001324401.3); c.392G>C, p.Cys131Ser (NM_001324402.2); short protein forms C561S, C131S.
Identifiers: ClinVar variation 2960251 (VCV002960251.3), dbSNP rs2116837834, ClinGen allele CA368975852.
Genomic context (GRCh38, chr7:116,741,006, plus strand): 5'-GCCACGACAAATGTGTGCGATCGGAGGAATGCCTGAGCGGGACATGGACTCAACAGATCT[G>C]TCTGCCTGCAATCTACAAGGTAGGAATCTCTAACAGCTGGCATACATGTTTTTGTTTGGT-3'
Protein context (NP_000236.2, residues 551-571): CLSGTWTQQI[Cys561Ser]LPAIYKVFPN

ClinVar aggregate classification (germline): Uncertain significance (1 of 4 stars; one submission).

Conditions:
Renal cell carcinoma. Identifiers: Orphanet 217071, MedGen C0007134, MeSH D002292, MONDO:0005086, HP:0005584.

Submission:

Labcorp Genetics (formerly Invitae), Labcorp
Classification: Uncertain significance for Renal cell carcinoma. Last evaluated: 2023-09-03. Review status: criteria provided, single submitter. Criteria: Invitae Variant Classification Sherloc (09022015). Collection method: clinical testing. Allele origin: germline.
Comment: Advanced modeling of protein sequence and biophysical properties (such as structural, functional, and spatial information, amino acid conservation, physicochemical variation, residue mobility, and thermodynamic stability) performed at Invitae indicates that this missense variant is expected to disrupt MET protein function. In summary, the available evidence is currently insufficient to determine the role of this variant in disease. Therefore, it has been classified as a Variant of Uncertain Significance. This variant has not been reported in the literature in individuals affected with MET-related conditions. This variant is not present in population databases (gnomAD no frequency). This sequence change replaces cysteine, which is neutral and slightly polar, with serine, which is neutral and polar, at codon 561 of the MET protein (p.Cys561Ser).